The following is an entry in ClinVar:

ClinVar aggregate classification (germline): Conflicting classifications of pathogenicity. Review status: criteria provided, conflicting classifications (1 of 4 stars). 4 submissions from 4 submitters: Pathogenic (2); Uncertain significance (2). Last evaluated 2023-11-13.

Conditions:
Epilepsy, childhood absence, susceptibility to, 5. Identifiers: Orphanet 64280, MedGen C2677087, MONDO:0012843, OMIM 612269.
Epilepsy, childhood absence, susceptibility to, 1. Also called: Epilepsy, childhood absence 1. Identifiers: Orphanet 64280, MedGen C1838604, MONDO:0020759, OMIM 600131.
Intellectual disability. Also called: intellectual disabilities; Intellectual developmental disorder; Intellectual functioning disability. Identifiers: MedGen C3714756, MeSH D008607, MONDO:0001071, HP:0001249.
Developmental and epileptic encephalopathy, 43 (DEE43). Also called: Epileptic encephalopathy, early infantile, 43. Identifiers: MedGen C4310712, MONDO:0014921, OMIM 617113.

Submissions (4):

Labcorp Genetics (formerly Invitae), Labcorp
Classification: Pathogenic for Epilepsy, childhood absence, susceptibility to, 5; Epilepsy, childhood absence, susceptibility to, 1. Last evaluated: 2023-11-13. Review status: criteria provided, single submitter. Criteria: Invitae Variant Classification Sherloc (09022015). Collection method: clinical testing. Allele origin: germline.
Comment: This sequence change creates a premature translational stop signal (p.Arg232*) in the GABRB3 gene. It is expected to result in an absent or disrupted protein product. Loss-of-function variants in GABRB3 are known to be pathogenic (PMID: 26950270, 28053010). This variant is not present in population databases (gnomAD no frequency). This premature translational stop signal has been observed in individual(s) with GABRB3-related conditions (PMID: 28053010). ClinVar contains an entry for this variant (Variation ID: 813738). For these reasons, this variant has been classified as Pathogenic.

Mendelics
Classification: Pathogenic for Epilepsy, childhood absence, susceptibility to, 5. Last evaluated: 2022-05-04. Review status: criteria provided, single submitter. Criteria: Mendelics Assertion Criteria 2019. Collection method: clinical testing. Allele origin: germline.

Diagnostic Laboratory, Strasbourg University Hospital
Classification: Uncertain significance for Intellectual disability. Last evaluated: 2020-09-10. Review status: criteria provided, single submitter. Criteria: ACMG Guidelines, 2015. Collection method: clinical testing. Allele origin: maternal. Affected: yes. Observed: 1 heterozygote.

Cytogénomique, Hospices Civils de Lyon
Classification: Uncertain significance for Developmental and epileptic encephalopathy, 43. Last evaluated: 2016-09-19. Review status: criteria provided, single submitter. Criteria: ACMG Guidelines, 2015. Collection method: clinical testing. Allele origin: paternal. Inheritance: Autosomal dominant inheritance. Affected: yes.

Literature cited by the submitters: PubMed 26950270 (cited by Labcorp Genetics (formerly Invitae), Labcorp); PubMed 28053010 (cited by Labcorp Genetics (formerly Invitae), Labcorp).

NM_000814.6(GABRB3):c.694C>T (p.Arg232Ter)

Gene: GABRB3 (gamma-aminobutyric acid type A receptor subunit beta3; minus strand). Cytogenetic location: 15q12.
Variant type: single nucleotide variant.
Coding change: c.694C>T on transcript NM_000814.6 (MANE Select); coding-DNA position 694, C replaced by T.
Protein change: p.Arg232Ter; replaces arginine 232 with a stop codon.
Molecular consequence: nonsense.
Genome position (GRCh38, 1-based): chr15:26,567,722, G>A on the plus strand (C>T on the coding strand, the complement: GABRB3 is on the minus strand). VCF-style: chr15-26567722-G-A. GRCh37 (hg19) VCF-style: chr15-26812869-G-A.
Other names: c.439C>T, p.Arg147Ter (NM_001191320.2, NM_001278631.2); c.481C>T, p.Arg161Ter (NM_001191321.3); c.694C>T, p.Arg232Ter (NM_021912.5); short protein forms R147*, R232*, R161*.
Identifiers: ClinVar variation 813738 (VCV000813738.6), dbSNP rs1595445975, ClinGen allele CA391463407.
Genomic context (GRCh38, chr15:26,567,722, plus strand): 5'-TATAAGTCTGAAGAATGAAGTATCCAATGTTCCTCTTCAACCGAAAGCTCAGTGACAGTC[G>A]AGGATAGGCACCTATGGGAAACAGACAAGGATATTACACTGGAGAAACAACATGGCAGAC-3'